The following is an entry in ClinVar:

NM_000095.3(COMP):c.2073A>G (p.Gln691=)

Gene: COMP (cartilage oligomeric matrix protein; minus strand). Cytogenetic location: 19p13.11.
Variant type: single nucleotide variant.
Coding change: c.2073A>G on transcript NM_000095.3 (MANE Select); coding-DNA position 2073, A replaced by G.
Protein change: p.Gln691=; no amino-acid change (glutamine 691 retained).
Molecular consequence: synonymous variant.
Genome position (GRCh38, 1-based): chr19:18,784,205, T>C on the plus strand (A>G on the coding strand, the complement: COMP is on the minus strand). VCF-style: chr19-18784205-T-C. GRCh37 (hg19) VCF-style: chr19-18895015-T-C.
Identifiers: ClinVar variation 2859608 (VCV002859608.3), dbSNP rs1176979583, ClinGen allele CA506052050.
Genomic context (GRCh38, chr19:18,784,205, plus strand): 5'-CCTGTGTGTCCCCAGCCCAGCCCACCACAGAGGGTGGAGTCCCCACCTGATGTAGCCCAC[T>C]TGGGGCCGGTGCTGCAGGAACCAACGATAGGACTTCTTGTCCTTCCAACCCACGTTTCGC-3'
Protein context (NP_000086.2, residues 681-701): SYRWFLQHRP[Gln691=]VGYIRVRFYE

ClinVar aggregate classification (germline): Uncertain significance (1 of 4 stars; one submission).

gnomAD v4.1: 1 of 1,613,646 alleles (0.000062%); highest among the groups gnomAD compares: Non-Finnish European, 0.000085%; no homozygotes.

Submission:

Labcorp Genetics (formerly Invitae), Labcorp
Classification: Uncertain significance. Last evaluated: 2023-08-30. Review status: criteria provided, single submitter. Criteria: Invitae Variant Classification Sherloc (09022015). Collection method: clinical testing. Allele origin: germline.
Comment: In summary, the available evidence is currently insufficient to determine the role of this variant in disease. Therefore, it has been classified as a Variant of Uncertain Significance. Algorithms developed to predict the effect of sequence changes on RNA splicing suggest that this variant may create or strengthen a splice site. This variant is not present in population databases (gnomAD no frequency). This variant has not been reported in the literature in individuals affected with COMP-related conditions. This sequence change affects codon 691 of the COMP mRNA. It is a 'silent' change, meaning that it does not change the encoded amino acid sequence of the COMP protein.